The following is an entry in ClinVar:

NM_000153.4(GALC):c.1078A>T (p.Thr360Ser)

Gene: GALC (galactosylceramidase; minus strand). Cytogenetic location: 14q31.3.
Variant type: single nucleotide variant.
Coding change: c.1078A>T on transcript NM_000153.4 (MANE Select); coding-DNA position 1078, A replaced by T.
Protein change: p.Thr360Ser; replaces threonine 360 with serine.
Molecular consequence: missense variant.
Genome position (GRCh38, 1-based): chr14:87,963,467, T>A on the plus strand (A>T on the coding strand, the complement: GALC is on the minus strand). VCF-style: chr14-87963467-T-A. GRCh37 (hg19) VCF-style: chr14-88429811-T-A.
Other names: c.1009A>T, p.Thr337Ser (NM_001201401.2); c.1000A>T, p.Thr334Ser (NM_001201402.2); short protein forms T337S, T360S, T334S.
Identifiers: ClinVar variation 1967259 (VCV001967259.2), dbSNP rs1298443144, ClinGen allele CA390747289.
Genomic context (GRCh38, chr14:87,963,467, plus strand): 5'-GGTTCCCTAAGCCATCAGTCAGAGCTACGTAGCTTCCTCCTTTCTCTAAATGGCCAACTG[T>A]CTTCAGGTAATACCAGCCAGGTTGAGTAAACTGAGTGGTATGAGCTATAGAAAAACAGAA-3'
Protein context (NP_000144.2, residues 350-370): FTQPGWYYLK[Thr360Ser]VGHLEKGGSY

ClinVar aggregate classification (germline): Uncertain significance (1 of 4 stars; one submission).

Conditions:
Galactosylceramide beta-galactosidase deficiency. Also called: Leukodystrophy, Globoid Cell; GALACTOCEREBROSIDASE DEFICIENCY; GALC DEFICIENCY; GLOBOID CELL LEUKOENCEPHALOPATHY; Krabbe Disease. Identifiers: Orphanet 487, MedGen C0023521, MONDO:0009499, OMIM 245200.

Allele frequency attached by ClinVar (database versions not stated): gnomAD exomes below 0.00001; TOPMed 0.00001.
gnomAD v4.1: 1 of 1,613,160 alleles (0.000062%); highest among the groups gnomAD compares: Non-Finnish European, 0.000085%; no homozygotes.

Submission:

Labcorp Genetics (formerly Invitae), Labcorp
Classification: Uncertain significance for Galactosylceramide beta-galactosidase deficiency. Last evaluated: 2022-06-24. Review status: criteria provided, single submitter. Criteria: Invitae Variant Classification Sherloc (09022015). Collection method: clinical testing. Allele origin: germline.
Comment: This sequence change replaces threonine, which is neutral and polar, with serine, which is neutral and polar, at codon 360 of the GALC protein (p.Thr360Ser). This variant is not present in population databases (gnomAD no frequency). This variant has not been reported in the literature in individuals affected with GALC-related conditions. Advanced modeling of protein sequence and biophysical properties (such as structural, functional, and spatial information, amino acid conservation, physicochemical variation, residue mobility, and thermodynamic stability) performed at Invitae indicates that this missense variant is not expected to disrupt GALC protein function. In summary, the available evidence is currently insufficient to determine the role of this variant in disease. Therefore, it has been classified as a Variant of Uncertain Significance.